The following is an entry in ClinVar:

NM_000353.3(TAT):c.838A>C (p.Lys280Gln)

Genes: TAT (tyrosine aminotransferase; minus strand), TAT-AS1 (TAT antisense RNA 1; plus strand). Cytogenetic location: 16q22.2.
Variant type: single nucleotide variant.
Coding change: c.838A>C on transcript NM_000353.3 (MANE Select); coding-DNA position 838, A replaced by C.
Protein change: p.Lys280Gln; replaces lysine 280 with glutamine.
Molecular consequence: missense variant.
Genome position (GRCh38, 1-based): chr16:71,570,753, T>G on the plus strand (A>C on the coding strand, the complement: TAT is on the minus strand). VCF-style: chr16-71570753-T-G. GRCh37 (hg19) VCF-style: chr16-71604656-T-G.
Other names: short protein forms K280Q.
Identifiers: ClinVar variation 5008110 (VCV005008110.1).

ClinVar aggregate classification (germline): Uncertain significance (1 of 4 stars; one submission).

Submission:

GeneDx
Classification: Uncertain significance. Last evaluated: 2026-09-25. Review status: criteria provided, single submitter. Criteria: GeneDx Variant Classification Process June 2021. Collection method: clinical testing. Allele origin: germline.
Comment: Not observed at significant frequency in large population cohorts (gnomAD); In silico analysis supports that this missense variant has a deleterious effect on protein structure/function; Has not been previously published as pathogenic or benign to our knowledge